The following is an entry in ClinVar:

ClinVar aggregate classification (germline): Uncertain significance (1 of 4 stars; one submission).

Submission:

Dasa
Classification: Uncertain significance. Last evaluated: 2025-12-31. Review status: criteria provided, single submitter. Criteria: DASA Assertion Criteria. Collection method: clinical testing. Allele origin: germline.
Comment: NM_000193.4(SHH):c.1294A>G (p.Ile432Val) is a missense variant that results in the substitution of isoleucine with valine. This variant is rare in population databases. The currently available literature and clinical evidence are not sufficient to establish a definitive association between this variant and the reported condition. Therefore, this variant is classified as a variant of uncertain significance.

NM_000193.4(SHH):c.1294A>G (p.Ile432Val)

Gene: SHH (sonic hedgehog signaling molecule; minus strand). Cytogenetic location: 7q36.3.
Variant type: single nucleotide variant.
Coding change: c.1294A>G on transcript NM_000193.4 (MANE Select); coding-DNA position 1294, A replaced by G.
Protein change: p.Ile432Val; replaces isoleucine 432 with valine.
Molecular consequence: missense variant. On other transcripts: intron variant (1).
Genome position (GRCh38, 1-based): chr7:155,802,995, T>C on the plus strand (A>G on the coding strand, the complement: SHH is on the minus strand). VCF-style: chr7-155802995-T-C. GRCh37 (hg19) VCF-style: chr7-155595689-T-C.
Other names: c.302-2750A>G (NM_001310462.2); short protein forms I432V.
Identifiers: ClinVar variation 4885053 (VCV004885053.2).
Genomic context (GRCh38, chr7:155,802,995, plus strand): 5'-GGGCCTCGCTGTCCAGGAGCCAGGTGCCTATTTGGTAGAGCAGCTGCGAGTACCAGTGGA[T>C]GCCCGCGGTGGCCCCCGCACCCGGAGCGTCGGCAGCACCTGGAGCGGTTAGGGCTACTCT-3'
Protein context (NP_000184.1, residues 422-442): DAPGAGATAG[Ile432Val]HWYSQLLYQI